The following is an entry in ClinVar:

NM_014140.4(SMARCAL1):c.126dup (p.Ala43fs)

Gene: SMARCAL1 (SNF2 related chromatin remodeling annealing helicase 1; plus strand). Cytogenetic location: 2q35.
Variant type: Duplication.
Coding change: c.126dup on transcript NM_014140.4 (MANE Select); coding-DNA position 126, one base duplicated (T; older notation c.126dupT).
Protein change: p.Ala43fs; shifts the reading frame from alanine 43.
Molecular consequence: frameshift variant.
Genome position (GRCh38, 1-based): chr2:216,414,830, T duplicated; the last of 2 consecutive T bases (chr2:216,414,829-216,414,830); duplicating either gives the same sequence. VCF-style (leftmost placement, unchanged base first): chr2-216414828-A-AT. GRCh37 (hg19) VCF-style: chr2-217279551-A-AT.
Other names: c.126dup, p.Ala43fs (NM_001127207.2); short protein forms A43fs.
Identifiers: ClinVar variation 2876809 (VCV002876809.4), dbSNP rs962523270, ClinGen allele CA65577741.

ClinVar aggregate classification (germline): Pathogenic/Likely pathogenic. Review status: criteria provided, multiple submitters, no conflicts (2 of 4 stars). 2 submissions from 2 submitters: Pathogenic (1); Likely pathogenic (1). Last evaluated 2024-04-15.

Conditions:
Schimke immuno-osseous dysplasia (SIOD). Also called: Schimke Immunoosseous Dysplasia. Identifiers: Orphanet 1830, MedGen C0877024, MONDO:0009458, OMIM 242900.

Submissions (2):

Fulgent Genetics
Classification: Likely pathogenic for Schimke immuno-osseous dysplasia. Last evaluated: 2024-04-15. Review status: criteria provided, single submitter. Criteria: ACMG Guidelines, 2015. Collection method: clinical testing. Allele origin: germline.

Labcorp Genetics (formerly Invitae), Labcorp
Classification: Pathogenic for Schimke immuno-osseous dysplasia. Last evaluated: 2023-07-15. Review status: criteria provided, single submitter. Criteria: Invitae Variant Classification Sherloc (09022015). Collection method: clinical testing. Allele origin: germline.
Comment: This variant has not been reported in the literature in individuals affected with SMARCAL1-related conditions. For these reasons, this variant has been classified as Pathogenic. This variant is not present in population databases (gnomAD no frequency). This sequence change creates a premature translational stop signal (p.Ala43Cysfs*21) in the SMARCAL1 gene. It is expected to result in an absent or disrupted protein product. Loss-of-function variants in SMARCAL1 are known to be pathogenic (PMID: 11799392, 20301550).

Literature cited by the submitters: PubMed 11799392 (cited by Labcorp Genetics (formerly Invitae), Labcorp); PubMed 20301550 (cited by Labcorp Genetics (formerly Invitae), Labcorp).